The following is an entry in ClinVar:

NM_000245.4(MET):c.3936-19del

Gene: MET (MET proto-oncogene, receptor tyrosine kinase; plus strand). Cytogenetic location: 7q31.2.
Variant type: Deletion.
Coding change: c.3936-19del on transcript NM_000245.4 (MANE Select); 19 bases into the intron before coding-DNA position 3936, one base deleted (G; older notation c.3936-19delG).
Molecular consequence: intron variant.
Genome position (GRCh38, 1-based): chr7:116,795,868, G deleted. VCF-style (leftmost placement, unchanged base first): chr7-116795867-TG-T. GRCh37 (hg19) VCF-style: chr7-116435921-TG-T.
Other names: c.3990-19del (NM_001127500.3); c.2646-19del (NM_001324402.2).
Identifiers: ClinVar variation 3773143 (VCV003773143.1).

ClinVar aggregate classification (germline): Likely benign (1 of 4 stars; one submission).

Conditions:
Papillary renal cell carcinoma type 1 (RCCP1). Also called: Renal adenocarcinoma; Renal cell carcinoma 1; Renal cell carcinoma, somatic; RENAL CELL CARCINOMA, PAPILLARY, 1, SOMATIC. Identifiers: Orphanet 47044, MedGen C1336839, OMIM 605074, HP:0011797.

Submission:

Myriad Genetics, Inc.
Classification: Likely benign for Papillary renal cell carcinoma type 1. Last evaluated: 2024-11-14. Review status: criteria provided, single submitter. Criteria: Myriad Autosomal Dominant, Autosomal Recessive and X-Linked Classification Criteria (2023). Collection method: clinical testing. Allele origin: unknown.
Comment: This variant is considered likely benign. This variant is intronic and is not expected to impact mRNA splicing.